The following is an entry in ClinVar:

NM_020738.4(KIDINS220):c.3006C>T (p.Tyr1002=)

Gene: KIDINS220 (kinase D interacting substrate 220; minus strand). Cytogenetic location: 2p25.1.
Variant type: single nucleotide variant.
Coding change: c.3006C>T on transcript NM_020738.4 (MANE Select); coding-DNA position 3006, C replaced by T.
Protein change: p.Tyr1002=; no amino-acid change (tyrosine 1002 retained).
Molecular consequence: synonymous variant. On other transcripts: non-coding transcript variant (2).
Genome position (GRCh38, 1-based): chr2:8,770,675, G>A on the plus strand (C>T on the coding strand, the complement: KIDINS220 is on the minus strand). VCF-style: chr2-8770675-G-A. GRCh37 (hg19) VCF-style: chr2-8910805-G-A.
Other names: c.3009C>T, p.Tyr1003= (NM_001348729.2, NM_001348731.2, NM_001348734.2 and 3 more transcripts); c.3006C>T, p.Tyr1002= (NM_001348732.2, NM_001348735.2, NM_001348738.2 and 3 more transcripts); c.2880C>T, p.Tyr960= (NM_001348736.2).
Identifiers: ClinVar variation 3035171 (VCV003035171.2), dbSNP rs1021580533, ClinGen allele CA42355177.
Genomic context (GRCh38, chr2:8,770,675, plus strand): 5'-TTTTTTTTAACTCAACCTAAAATAAAGTAAAATACAAAGAGGTCACAAAAGGTACCTTTC[G>A]TAGATGGTTTTTAATGTCATTTGATCTGGAATACCTTCAGTCTCTTCCAAATATAATATG-3'
Protein context (NP_065789.1, residues 992-1012): IPDQMTLKTI[Tyr1002=]ERISKNIPTT

ClinVar aggregate classification (germline): Likely benign (0 of 4 stars; one submission).

Conditions:
KIDINS220-related disorder. Also called: KIDINS220-related condition.

Allele frequency attached by ClinVar (database versions not stated): gnomAD 0.00004.
gnomAD v4.1: 19 of 1,576,652 alleles (0.0012%); highest among the groups gnomAD compares: African/African-American, 0.012%; no homozygotes.

Submission:

PreventionGenetics, part of Exact Sciences
Classification: Likely benign for KIDINS220-related condition. Last evaluated: 2021-12-10. Review status: no assertion criteria provided. Collection method: clinical testing. Allele origin: germline.
Comment: This variant is classified as likely benign based on ACMG/AMP sequence variant interpretation guidelines (Richards et al. 2015 PMID: 25741868, with internal and published modifications).